The following is an entry in ClinVar:

NM_152542.5(PPM1K):c.48G>T (p.Gln16His)

Gene: PPM1K (protein phosphatase, Mg2+/Mn2+ dependent 1K; minus strand). Cytogenetic location: 4q22.1.
Variant type: single nucleotide variant.
Coding change: c.48G>T on transcript NM_152542.5 (MANE Select); coding-DNA position 48, G replaced by T.
Protein change: p.Gln16His; replaces glutamine 16 with histidine.
Molecular consequence: missense variant.
Genome position (GRCh38, 1-based): chr4:88,278,536, C>A on the plus strand (G>T on the coding strand, the complement: PPM1K is on the minus strand). VCF-style: chr4-88278536-C-A. GRCh37 (hg19) VCF-style: chr4-89199688-C-A.
Other names: c.48G>T (NM_152542.3); short protein forms Q16H.
Identifiers: ClinVar variation 1464285 (VCV001464285.8), dbSNP rs775889692, ClinGen allele CA3005371.
Genomic context (GRCh38, chr4:88,278,536, plus strand): 5'-GGGTGTCACCCGCCTGTCGTCCTGCAGCAGGCGGGAGCTTAGCAGCACTCTCCTTCTCAC[C>A]TGGTTCCCACCACTTCTGACCAAAGTAATTAAGGCAGCTGTTGACATAACTCAGCTCCAA-3'
Protein context (NP_689755.3, residues 6-26): LITLVRSGGN[Gln16His]VRRRVLLSSR

ClinVar aggregate classification (germline): Uncertain significance. Review status: criteria provided, multiple submitters, no conflicts (2 of 4 stars). 2 submissions from 2 submitters: Uncertain significance (2). Last evaluated 2025-10-10.

Conditions:
Maple syrup urine disease, mild variant (MSUDMV). Identifiers: Orphanet 511, MedGen C3554575, MONDO:0014057, OMIM 615135.

Allele frequency attached by ClinVar (database versions not stated): gnomAD 0.00001; gnomAD exomes 0.00002 and 0.00003; ExAC 0.00003.
gnomAD v4.1: 33 of 1,613,986 alleles (0.002%); highest among the groups gnomAD compares: Middle Eastern, 0.099%; no homozygotes.

Submissions (2):

Labcorp Genetics (formerly Invitae), Labcorp
Classification: Uncertain significance for Maple syrup urine disease, mild variant. Last evaluated: 2025-10-10. Review status: criteria provided, single submitter. Criteria: Invitae Variant Classification Sherloc (09022015). Collection method: clinical testing. Allele origin: germline.
Comment: This sequence change replaces glutamine, which is neutral and polar, with histidine, which is basic and polar, at codon 16 of the PPM1K protein (p.Gln16His). This variant is present in population databases (rs775889692, gnomAD 0.009%). This variant has not been reported in the literature in individuals affected with PPM1K-related conditions. ClinVar contains an entry for this variant (Variation ID: 1464285). An algorithm developed to predict the effect of missense changes on protein structure and function outputs the following: PolyPhen-2: "Benign". The histidine amino acid residue is found in multiple mammalian species, which suggests that this missense change does not adversely affect protein function. In summary, the available evidence is currently insufficient to determine the role of this variant in disease. Therefore, it has been classified as a Variant of Uncertain Significance.

Ambry Genetics
Classification: Uncertain significance. Last evaluated: 2024-10-20. Review status: criteria provided, single submitter. Criteria: Ambry Variant Classification Scheme 2023. Collection method: clinical testing. Allele origin: germline.